The following is an entry in ClinVar:

ClinVar aggregate classification (germline): Uncertain significance. Review status: criteria provided, multiple submitters, no conflicts (2 of 4 stars). 3 submissions from 3 submitters: Uncertain significance (3). Last evaluated 2024-10-06.

Conditions:
Hereditary nonpolyposis colorectal neoplasms. Identifiers: MedGen C0009405, MeSH D003123.
Hereditary cancer-predisposing syndrome. Also called: Neoplastic Syndromes, Hereditary; Hereditary neoplastic syndrome; Tumor predisposition; Hereditary Cancer Syndrome. Identifiers: Orphanet 140162, MedGen C0027672, MeSH D009386, MONDO:0015356.

Allele frequency attached by ClinVar (database versions not stated): gnomAD exomes below 0.00001.

Submissions (3):

Ambry Genetics
Classification: Uncertain significance for Hereditary cancer-predisposing syndrome. Last evaluated: 2024-10-06. Review status: criteria provided, single submitter. Criteria: Ambry Variant Classification Scheme 2023. Collection method: clinical testing. Allele origin: germline.
Comment: The p.P247S variant (also known as c.739C>T), located in coding exon 7 of the PMS2 gene, results from a C to T substitution at nucleotide position 739. The proline at codon 247 is replaced by serine, an amino acid with similar properties. This amino acid position is conserved. In addition, this alteration is predicted to be deleterious by in silico analysis. Based on the available evidence, the clinical significance of this variant remains unclear.

Color Diagnostics, LLC DBA Color Health
Classification: Uncertain significance for Hereditary cancer-predisposing syndrome. Last evaluated: 2024-03-06. Review status: criteria provided, single submitter. Criteria: ACMG Guidelines, 2015. Collection method: clinical testing. Allele origin: germline.
Comment: This missense variant replaces proline with serine at codon 247 of the PMS2 protein. Computational prediction is inconclusive regarding the impact of this variant on protein structure and function (internally defined REVEL score threshold 0.5 < inconclusive < 0.7, PMID: 27666373). To our knowledge, functional studies have not been reported for this variant. This variant has not been reported in individuals affected with PMS2-related disorders in the literature. This variant has not been identified in the general population by the Genome Aggregation Database (gnomAD). The available evidence is insufficient to determine the role of this variant in disease conclusively. Therefore, this variant is classified as a Variant of Uncertain Significance.

Labcorp Genetics (formerly Invitae), Labcorp
Classification: Uncertain significance for Hereditary nonpolyposis colorectal neoplasms. Last evaluated: 2022-12-03. Review status: criteria provided, single submitter. Criteria: Invitae Variant Classification Sherloc (09022015). Collection method: clinical testing. Allele origin: germline.
Comment: This sequence change replaces proline, which is neutral and non-polar, with serine, which is neutral and polar, at codon 247 of the PMS2 protein (p.Pro247Ser). This variant is not present in population databases (gnomAD no frequency). In summary, the available evidence is currently insufficient to determine the role of this variant in disease. Therefore, it has been classified as a Variant of Uncertain Significance. Advanced modeling of protein sequence and biophysical properties (such as structural, functional, and spatial information, amino acid conservation, physicochemical variation, residue mobility, and thermodynamic stability) performed at Invitae indicates that this missense variant is expected to disrupt PMS2 protein function. ClinVar contains an entry for this variant (Variation ID: 237926). This variant has not been reported in the literature in individuals affected with PMS2-related conditions.

NM_000535.7(PMS2):c.739C>T (p.Pro247Ser)

Gene: PMS2 (PMS1 homolog 2, mismatch repair system component; minus strand). Cytogenetic location: 7p22.1.
Variant type: single nucleotide variant.
Coding change: c.739C>T on transcript NM_000535.7 (MANE Select); coding-DNA position 739, C replaced by T.
Protein change: p.Pro247Ser; replaces proline 247 with serine.
Molecular consequence: missense variant. On other transcripts: 5 prime UTR variant (2), non-coding transcript variant (1).
Genome position (GRCh38, 1-based): chr7:5,997,390, G>A on the plus strand (C>T on the coding strand, the complement: PMS2 is on the minus strand). VCF-style: chr7-5997390-G-A. GRCh37 (hg19) VCF-style: chr7-6037021-G-A.
Other names: c.334C>T, p.Pro112Ser (NM_001322003.2, NM_001322004.2, NM_001322005.2 and 2 more transcripts); c.739C>T, p.Pro247Ser (NM_001322006.2, NM_001322014.2); c.421C>T, p.Pro141Ser (NM_001322007.2, NM_001322008.2); c.-195C>T (NM_001322011.2, NM_001322012.2); c.166C>T, p.Pro56Ser (NM_001322013.2); c.430C>T, p.Pro144Ser (NM_001322015.2); short protein forms P247S, P141S, P56S, P112S, P144S.
Identifiers: ClinVar variation 237926 (VCV000237926.15), dbSNP rs878854058, ClinGen allele CA10582520.